The following is an entry in ClinVar:

NM_001161352.2(KCNMA1):c.3342+1G>A

Genes: KCNMA1-AS1 (KCNMA1 antisense RNA 1; plus strand), KCNMA1 (potassium calcium-activated channel subfamily M alpha 1; minus strand). Cytogenetic location: 10q22.3.
Variant type: single nucleotide variant.
Coding change: c.3342+1G>A on transcript NM_001161352.2 (MANE Select); the canonical splice donor site of the intron after coding-DNA position 3342, G replaced by A.
Molecular consequence: splice donor variant.
Genome position (GRCh38, 1-based): chr10:76,891,524, C>T on the plus strand (G>A on the coding strand, the complement: KCNMA1 is on the minus strand). VCF-style: chr10-76891524-C-T. GRCh37 (hg19) VCF-style: chr10-78651282-C-T.
Other names: c.3018+1G>A (NM_001271518.2); c.3168+1G>A (NM_001322832.2, NM_001410940.1, NM_002247.4); c.3255+1G>A (NM_001437423.1); c.3177+1G>A (NM_001322829.2, NM_001322836.2); c.3180+1G>A (NM_001014797.3); c.3261+1G>A (NM_001322835.2, NM_001322837.2); c.3270+1G>A (NM_001322830.2); c.2715+1G>A (NM_001322838.2); and 3 more.
Identifiers: ClinVar variation 4725591 (VCV004725591.1).

ClinVar aggregate classification (germline): Likely pathogenic (1 of 4 stars; one submission).

Conditions:
Generalized epilepsy-paroxysmal dyskinesia syndrome (PNKD3). Also called: Generalized epilepsy and paroxysmal dyskinesia; Paroxysmal nonkinesigenic dyskinesia, 3, with or without generalized epilepsy. Identifiers: Orphanet 79137, MedGen C5574945, MONDO:0012276, OMIM 609446.

gnomAD v4.1: 1 of 1,611,534 alleles (0.000062%); highest among the groups gnomAD compares: Non-Finnish European, 0.000085%; no homozygotes.

Submission:

Labcorp Genetics (formerly Invitae), Labcorp
Classification: Likely pathogenic for Generalized epilepsy-paroxysmal dyskinesia syndrome. Last evaluated: 2025-10-11. Review status: criteria provided, single submitter. Criteria: Invitae Variant Classification Sherloc (09022015). Collection method: clinical testing. Allele origin: germline.
Comment: This sequence change affects a donor splice site in intron 25 of the KCNMA1 gene. It is expected to disrupt RNA splicing. Variants that disrupt the donor or acceptor splice site typically lead to a loss of protein function (PMID: 16199547), and loss-of-function variants in KCNMA1 are known to be pathogenic (PMID: 27567911, 29545233). This variant is not present in population databases (gnomAD no frequency). This variant has not been reported in the literature in individuals affected with KCNMA1-related conditions. Algorithms developed to predict the effect of sequence changes on RNA splicing suggest that this variant may disrupt the consensus splice site. In summary, the currently available evidence indicates that the variant is pathogenic, but additional data are needed to prove that conclusively. Therefore, this variant has been classified as Likely Pathogenic.

Literature cited by the submitters: PubMed 16199547; PubMed 27567911; PubMed 29545233.